The following is an entry in ClinVar:

ClinVar aggregate classification (germline): Pathogenic (1 of 4 stars; one submission).

Submission:

Ambry Genetics
Classification: Pathogenic. Last evaluated: 2026-06-03. Review status: criteria provided, single submitter. Criteria: Ambry Variant Classification Scheme 2023. Collection method: clinical testing. Allele origin: germline.
Comment: The c.908_909delAT variant, located in coding exon 1 of the MLH3 gene, results from a deletion of two nucleotides at nucleotide positions 908 to 909, causing a translational frameshift with a predicted alternate stop codon (p.Y303Wfs*6). This variant is considered to be rare based on population cohorts in the Genome Aggregation Database (gnomAD). This alteration is expected to result in loss of function by premature protein truncation or nonsense-mediated mRNA decay. As such, this variant is interpreted as a disease-causing mutation.

NM_001040108.2(MLH3):c.908_909del (p.Tyr303fs)

Gene: MLH3 (mutL homolog 3; minus strand). Cytogenetic location: 14q24.3.
Variant type: Deletion.
Coding change: c.908_909del on transcript NM_001040108.2 (MANE Select); coding-DNA positions 908 to 909, 2 bases deleted (AT; older notation c.908_909delAT).
Protein change: p.Tyr303fs; shifts the reading frame from tyrosine 303.
Molecular consequence: frameshift variant.
Genome position (GRCh38, 1-based): chr14:75,048,747-75,048,748, AT deleted on the plus strand (AT on the coding strand, the reverse complement: MLH3 is on the minus strand); deleting any 2 consecutive bases within chr14:75,048,747-75,048,749 gives the same sequence; the c. name uses the placement nearest the transcript's 3' end. VCF-style (leftmost placement, unchanged base first): chr14-75048746-CAT-C. GRCh37 (hg19) VCF-style: chr14-75515449-CAT-C.
Other names: c.908_909del, p.Tyr303fs (NM_014381.3); c.908_909delAT (NM_001040108.1); short protein forms Y303fs.
Identifiers: ClinVar variation 2448664 (VCV002448664.3), dbSNP rs2503311012, ClinGen allele CA2575721402.